The following is an entry in ClinVar:

NM_004655.4(AXIN2):c.1222G>A (p.Glu408Lys)

Gene: AXIN2 (axin 2; minus strand). Cytogenetic location: 17q24.1.
Variant type: single nucleotide variant.
Coding change: c.1222G>A on transcript NM_004655.4 (MANE Select); coding-DNA position 1222, G replaced by A.
Protein change: p.Glu408Lys; replaces glutamic acid 408 with lysine.
Molecular consequence: missense variant.
Genome position (GRCh38, 1-based): chr17:65,537,814, C>T on the plus strand (G>A on the coding strand, the complement: AXIN2 is on the minus strand). VCF-style: chr17-65537814-C-T. GRCh37 (hg19) VCF-style: chr17-63533932-C-T.
Other names: c.1222G>A (LRG_296t1); c.1222G>A, p.Glu408Lys (NM_001363813.1); short protein forms E408K.
Identifiers: ClinVar variation 408784 (VCV000408784.24), dbSNP rs749846538, ClinGen allele CA8718711.

ClinVar aggregate classification (germline): Conflicting classifications of pathogenicity. Review status: criteria provided, conflicting classifications (1 of 4 stars). 9 submissions from 8 submitters: Uncertain significance (7); Benign (1); Likely benign (1). Last evaluated 2026-04-06.

Conditions:
Oligodontia-cancer predisposition syndrome. Also called: TOOTH AGENESIS-COLORECTAL CANCER SYNDROME. Identifiers: Orphanet 300576, MedGen C1837750, MONDO:0012075, OMIM 608615. Disease mechanism: loss of function.
Colorectal cancer. Also called: Colorectal cancer, somatic; Malignant Colorectal Neoplasm. Identifiers: MedGen C0346629, MONDO:0005575, OMIM 114500.
AXIN2-related disorder.
Hereditary cancer-predisposing syndrome. Also called: Neoplastic Syndromes, Hereditary; Tumor predisposition; Hereditary Cancer Syndrome; Hereditary neoplastic syndrome. Identifiers: Orphanet 140162, MedGen C0027672, MeSH D009386, MONDO:0015356.

Allele frequency attached by ClinVar (database versions not stated): gnomAD exomes 0.00001 and 0.00007; TOPMed 0.00002; gnomAD 0.00004; ExAC 0.00020.
gnomAD v4.1: 24 of 1,572,552 alleles (0.0015%); highest among the groups gnomAD compares: Admixed American, 0.026%; no homozygotes.

Submissions (9):

PreventionGenetics, part of Exact Sciences
Classification: Uncertain significance for AXIN2-related condition. Last evaluated: 2026-04-06. Review status: criteria provided, single submitter. Criteria: ACMG Guidelines, 2015. Collection method: clinical testing. Allele origin: germline.
Comment: The AXIN2 c.1222G>A variant is predicted to result in the amino acid substitution p.Glu408Lys. This variant has been reported in an individual with medulloblastoma (Koch et al. 2007. PubMed ID: 17373666). This variant is reported in 0.046% of alleles in individuals of Latino descent in gnomAD. This variant has conflicting interpretations of pathogenicity in ClinVar ranging from likely benign to uncertain (Variation ID: 408784). At this time, the clinical significance of this variant is uncertain due to the absence of conclusive functional and genetic evidence.

Labcorp Genetics (formerly Invitae), Labcorp
Classification: Uncertain significance for Oligodontia-cancer predisposition syndrome. Last evaluated: 2025-10-13. Review status: criteria provided, single submitter. Criteria: Invitae Variant Classification Sherloc (09022015). Collection method: clinical testing. Allele origin: germline.
Comment: This sequence change replaces glutamic acid, which is acidic and polar, with lysine, which is basic and polar, at codon 408 of the AXIN2 protein (p.Glu408Lys). This variant is present in population databases (rs749846538, gnomAD 0.05%), and has an allele count higher than expected for a pathogenic variant. This missense change has been observed in individual(s) with medulloblastoma (PMID: 17373666). ClinVar contains an entry for this variant (Variation ID: 408784). An algorithm developed to predict the effect of missense changes on protein structure and function (PolyPhen-2) suggests that this variant is likely to be tolerated. In summary, the available evidence is currently insufficient to determine the role of this variant in disease. Therefore, it has been classified as a Variant of Uncertain Significance.

GeneDx
Classification: Uncertain significance. Last evaluated: 2024-09-23. Review status: criteria provided, single submitter. Criteria: GeneDx Variant Classification Process June 2021. Collection method: clinical testing. Allele origin: germline. Affected: yes.
Comment: In silico analysis indicates that this missense variant does not alter protein structure/function; Observed in individuals with medulloblastoma and absent in unaffected controls (PMID: 17373666); This variant is associated with the following publications: (PMID: 15735151, 17373666)

Ambry Genetics
Classification: Benign for Hereditary cancer-predisposing syndrome. Last evaluated: 2024-07-21. Review status: criteria provided, single submitter. Criteria: Ambry Variant Classification Scheme 2023. Collection method: clinical testing. Allele origin: germline.

Baylor Genetics
Classification: Uncertain significance for Colorectal cancer. Last evaluated: 2024-01-02. Review status: criteria provided, single submitter. Criteria: ACMG Guidelines, 2015. Collection method: clinical testing. Allele origin: unknown.

Quest Diagnostics Nichols Institute San Juan Capistrano
Classification: Likely benign. Last evaluated: 2023-03-09. Review status: criteria provided, single submitter. Criteria: Quest Diagnostics criteria. Collection method: clinical testing. Allele origin: unknown.

Fulgent Genetics
Classification: Uncertain significance for Colorectal cancer; Oligodontia-cancer predisposition syndrome. Last evaluated: 2022-04-22. Review status: criteria provided, single submitter. Criteria: ACMG Guidelines, 2015. Collection method: clinical testing. Allele origin: unknown.

Sema4
Classification: Uncertain significance for Hereditary cancer-predisposing syndrome. Last evaluated: 2022-01-25. Review status: criteria provided, single submitter. Criteria: Sema4 Curation Guidelines. Collection method: curation. Allele origin: germline.
Comment: The AXIN2 c.1222G>A (p.E408K) variant has been reported in an individual affected with medulloblastoma (PMID: 17373666). It was observed in 13/28536 chromosomes of the Latino/Admixed American subpopulation, with no homozygotes, in the large and broad cohorts of the Genome Aggregation Database (PMID: 32461654). This variant has been reported in ClinVar (Variation ID 408784). Functional studies have not been performed, and in silico predictions of the variant's effect on protein function are inconclusive. The evidence is insufficient to meet ACMG/AMP criteria for classifying the variant as benign or pathogenic. Thus, the clinical significance of this variant is currently uncertain.

Baylor Genetics
Classification: Uncertain significance for Oligodontia-cancer predisposition syndrome. Last evaluated: 2020-08-27. Review status: criteria provided, single submitter. Criteria: ACMG Guidelines, 2015. Collection method: clinical testing. Allele origin: maternal. Affected: yes. Study: CSER-TexasKidsCanSeq.
Comment: This variant was determined to be of uncertain significance according to ACMG Guidelines, 2015 [PMID:25741868].

Literature cited by the submitters: PubMed 17373666 (cited by 4 submitters).